The following is an entry in ClinVar:

NM_004415.4(DSP):c.3612del (p.Ser1204fs)

Gene: DSP (desmoplakin; plus strand). Cytogenetic location: 6p24.3.
Variant type: Deletion.
Coding change: c.3612del on transcript NM_004415.4 (MANE Select); coding-DNA position 3612, one base deleted (T; older notation c.3612delT).
Protein change: p.Ser1204fs; shifts the reading frame from serine 1204.
Molecular consequence: frameshift variant. On other transcripts: intron variant (1).
Genome position (GRCh38, 1-based): chr6:7,579,802, T deleted. VCF-style (leftmost placement, unchanged base first): chr6-7579801-GT-G. GRCh37 (hg19) VCF-style: chr6-7580034-GT-G.
Other names: c.3612del, p.Ser1204fs (NM_001319034.2); c.3582+30del (NM_001008844.3); short protein forms S1204fs.
Identifiers: ClinVar variation 1733246 (VCV001733246.2), dbSNP rs2533924874, ClinGen allele CA2580075398.

ClinVar aggregate classification (germline): Pathogenic (1 of 4 stars; one submission).

Conditions:
Cardiovascular phenotype. Identifiers: MedGen CN230736.

Submission:

Ambry Genetics
Classification: Pathogenic for Cardiovascular phenotype. Last evaluated: 2020-07-09. Review status: criteria provided, single submitter. Criteria: Ambry Variant Classification Scheme 2023. Collection method: clinical testing. Allele origin: germline.
Comment: The c.3612delT pathogenic mutation, located in coding exon 23 of the DSP gene, results from a deletion of one nucleotide at nucleotide position 3612, causing a translational frameshift with a predicted alternate stop codon (p.S1204Rfs*3). Alterations in DSP that result in haploinsufficiency or protein truncation have been reported in patients with arrhythmogenic right ventricular cardiomyopathy (ARVC) and dilated cardiomyopathy (DCM) (Fressart V et al. Europace. 2010;12(6):861-8; Elliott P et al. Circ Cardiovasc Genet. 2010;3(4):314-22; Quarta G et al. Circulation. 2011;123(23):2701-9; Garcia-Pavia P et al. Heart. 2011;97(21):1744-52; Rasmussen TB et al. Clin Genet. 2013;84(1):20-30; Pugh TJ et al. Genet Med. 2014;16(8):601-8). This alteration is expected to result in loss of function by premature protein truncation or nonsense-mediated mRNA decay. As such, this alteration is interpreted as a disease-causing mutation.